The following is an entry in ClinVar:

Conditions:
Breast-ovarian cancer, familial, susceptibility to, 1 (BROVCA1). Also called: BRCA1 Hereditary Breast and Ovarian Cancer; OVARIAN CANCER, SUSCEPTIBILITY TO. Identifiers: Orphanet 145, MedGen C2676676, MONDO:0011450, OMIM 604370. Disease mechanism: loss of function.

Submission:

Brotman Baty Institute, University of Washington
No classification provided (evidence only). Condition: Breast-ovarian cancer, familial 1. Review status: no classification provided. Collection method: in vitro. Allele origin: not applicable. Functional consequence: functionally_normal.
ClinVar note: "not provided" was previously submitted as the classification for the variant. However, the classification appeared to be based only on an observation of functional data so it was converted to no classification on 2025-07-30.

NM_007294.4(BRCA1):c.135A>C (p.Lys45Asn)

Gene: BRCA1 (BRCA1 DNA repair associated; minus strand). Cytogenetic location: 17q21.31.
Variant type: single nucleotide variant.
Coding change: c.135A>C on transcript NM_007294.4 (MANE Select); coding-DNA position 135, A replaced by C.
Protein change: p.Lys45Asn; replaces lysine 45 with asparagine.
Molecular consequence: missense variant. On other transcripts: 5 prime UTR variant (1), non-coding transcript variant (1).
Genome position (GRCh38, 1-based): chr17:43,106,533, T>G on the plus strand (A>C on the coding strand, the complement: BRCA1 is on the minus strand). VCF-style: chr17-43106533-T-G. GRCh37 (hg19) VCF-style: chr17-41258550-T-G.
Other names: c.-7A>C (NM_001407733.1, NM_001407734.1, NM_001407735.1 and 99 more transcripts); c.-54A>C (NM_001407853.1, NM_001407879.1, NM_001407881.1 and 58 more transcripts); c.135A>C, p.Lys45Asn (NM_001407854.1, NM_001407858.1, NM_001407859.1 and 168 more transcripts); short protein forms K45N.
Identifiers: ClinVar variation 867262 (VCV000867262.3), dbSNP rs80356883, ClinGen allele CA10601885.